The following is an entry in ClinVar:

NM_021096.4(CACNA1I):c.1902C>T (p.Arg634=)

Gene: CACNA1I (calcium voltage-gated channel subunit alpha1 I; plus strand). Cytogenetic location: 22q13.1.
Variant type: single nucleotide variant.
Coding change: c.1902C>T on transcript NM_021096.4 (MANE Select); coding-DNA position 1902, C replaced by T.
Protein change: p.Arg634=; no amino-acid change (arginine 634 retained).
Molecular consequence: synonymous variant.
Genome position (GRCh38, 1-based): chr22:39,649,835, C>T. VCF-style: chr22-39649835-C-T. GRCh37 (hg19) VCF-style: chr22-40045840-C-T.
Other names: c.1797C>T, p.Arg599= (NM_001003406.2).
Identifiers: ClinVar variation 3034304 (VCV003034304.2), dbSNP rs373807263, ClinGen allele CA10243975.

ClinVar aggregate classification (germline): Likely benign (0 of 4 stars; one submission).

Conditions:
CACNA1I-related disorder. Also called: CACNA1I-related condition.

Allele frequency attached by ClinVar (database versions not stated): ExAC 0.00004; gnomAD 0.00005; gnomAD exomes 0.00008; TOPMed 0.00009; ESP Exome Variant Server 0.00015.
gnomAD v4.1: 132 of 1,613,408 alleles (0.0082%); highest among the groups gnomAD compares: African/African-American, 0.019%; no homozygotes.

Submission:

PreventionGenetics, part of Exact Sciences
Classification: Likely benign for CACNA1I-related condition. Last evaluated: 2019-06-17. Review status: no assertion criteria provided. Collection method: clinical testing. Allele origin: germline.
Comment: This variant is classified as likely benign based on ACMG/AMP sequence variant interpretation guidelines (Richards et al. 2015 PMID: 25741868, with internal and published modifications).